The following is an entry in ClinVar:

NM_001369.3(DNAH5):c.2052+3G>C

Gene: DNAH5 (dynein axonemal heavy chain 5; minus strand). Cytogenetic location: 5p15.2.
Variant type: single nucleotide variant.
Coding change: c.2052+3G>C on transcript NM_001369.3 (MANE Select); 3 bases into the intron after coding-DNA position 2052, G replaced by C.
Molecular consequence: intron variant.
Genome position (GRCh38, 1-based): chr5:13,901,249, C>G on the plus strand (G>C on the coding strand, the complement: DNAH5 is on the minus strand). VCF-style: chr5-13901249-C-G. GRCh37 (hg19) VCF-style: chr5-13901358-C-G.
Identifiers: ClinVar variation 2787815 (VCV002787815.3), dbSNP rs2547091579, ClinGen allele CA2739274637.

ClinVar aggregate classification (germline): Uncertain significance (1 of 4 stars; one submission).

Conditions:
Primary ciliary dyskinesia. Also called: Ciliary dyskinesia. Identifiers: Orphanet 244, MedGen C0008780, MONDO:0016575, HP:0012265.

Submission:

Labcorp Genetics (formerly Invitae), Labcorp
Classification: Uncertain significance for Primary ciliary dyskinesia. Last evaluated: 2023-06-14. Review status: criteria provided, single submitter. Criteria: Invitae Variant Classification Sherloc (09022015). Collection method: clinical testing. Allele origin: germline.
Comment: In summary, the available evidence is currently insufficient to determine the role of this variant in disease. Therefore, it has been classified as a Variant of Uncertain Significance. Variants that disrupt the consensus splice site are a relatively common cause of aberrant splicing (PMID: 17576681, 9536098). Algorithms developed to predict the effect of sequence changes on RNA splicing suggest that this variant may disrupt the consensus splice site. This variant has not been reported in the literature in individuals affected with DNAH5-related conditions. This variant is not present in population databases (gnomAD no frequency). This sequence change falls in intron 14 of the DNAH5 gene. It does not directly change the encoded amino acid sequence of the DNAH5 protein. It affects a nucleotide within the consensus splice site.

Literature cited by the submitters: PubMed 17576681; PubMed 9536098.